The following is an entry in ClinVar:

NM_016122.3(CEP83):c.404G>C (p.Arg135Thr)

Gene: CEP83 (centrosomal protein 83; minus strand). Cytogenetic location: 12q22.
Variant type: single nucleotide variant.
Coding change: c.404G>C on transcript NM_016122.3 (MANE Select); coding-DNA position 404, G replaced by C.
Protein change: p.Arg135Thr; replaces arginine 135 with threonine.
Molecular consequence: missense variant. On other transcripts: non-coding transcript variant (3), intron variant (2).
Genome position (GRCh38, 1-based): chr12:94,403,183, C>G on the plus strand (G>C on the coding strand, the complement: CEP83 is on the minus strand). VCF-style: chr12-94403183-C-G. GRCh37 (hg19) VCF-style: chr12-94796959-C-G.
Other names: c.404G>C, p.Arg135Thr (NM_001042399.2, NM_001346457.2, NM_001346460.2 and 3 more transcripts); c.92G>C, p.Arg31Thr (NM_001346458.2, NM_001346459.2, NM_001346462.2 and 2 more transcripts); c.324+8514G>C (NM_001368041.1); c.12+8514G>C (NM_001368042.1); short protein forms R135T, R31T.
Identifiers: ClinVar variation 2111791 (VCV002111791.4), dbSNP rs755300685, ClinGen allele CA6721962.

ClinVar aggregate classification (germline): Uncertain significance (1 of 4 stars; one submission).

Conditions:
Nephronophthisis 18 (NPHP18). Identifiers: Orphanet 655, MedGen C3890591, MONDO:0014374, OMIM 615862.

Allele frequency attached by ClinVar (database versions not stated): gnomAD exomes below 0.00001; TOPMed below 0.00001; ExAC 0.00001.
gnomAD v4.1: 2 of 1,547,560 alleles (0.00013%); highest among the groups gnomAD compares: Admixed American, 0.0034%; no homozygotes.

Submission:

Labcorp Genetics (formerly Invitae), Labcorp
Classification: Uncertain significance for Nephronophthisis 18. Last evaluated: 2022-05-27. Review status: criteria provided, single submitter. Criteria: Invitae Variant Classification Sherloc (09022015). Collection method: clinical testing. Allele origin: germline.
Comment: In summary, the available evidence is currently insufficient to determine the role of this variant in disease. Therefore, it has been classified as a Variant of Uncertain Significance. Algorithms developed to predict the effect of missense changes on protein structure and function are either unavailable or do not agree on the potential impact of this missense change (SIFT: "Not Available"; PolyPhen-2: "Benign"; Align-GVGD: "Not Available"). This variant has not been reported in the literature in individuals affected with CEP83-related conditions. This variant is present in population databases (rs755300685, gnomAD 0.006%). This sequence change replaces arginine, which is basic and polar, with threonine, which is neutral and polar, at codon 135 of the CEP83 protein (p.Arg135Thr).